The following is an entry in ClinVar:

ClinVar aggregate classification (germline): Uncertain significance (1 of 4 stars; one submission).

Allele frequency attached by ClinVar (database versions not stated): gnomAD exomes below 0.00001.
gnomAD v4.1: 1 of 1,614,144 alleles (0.000062%); highest among the groups gnomAD compares: Non-Finnish European, 0.000085%; no homozygotes.

Submission:

Labcorp Genetics (formerly Invitae), Labcorp
Classification: Uncertain significance. Last evaluated: 2022-12-06. Review status: criteria provided, single submitter. Criteria: Invitae Variant Classification Sherloc (09022015). Collection method: clinical testing. Allele origin: germline.
Comment: Advanced modeling of protein sequence and biophysical properties (such as structural, functional, and spatial information, amino acid conservation, physicochemical variation, residue mobility, and thermodynamic stability) performed at Invitae indicates that this missense variant is expected to disrupt ABCA4 protein function. ClinVar contains an entry for this variant (Variation ID: 857770). This variant has not been reported in the literature in individuals affected with ABCA4-related conditions. This variant is not present in population databases (gnomAD no frequency). In summary, the available evidence is currently insufficient to determine the role of this variant in disease. Therefore, it has been classified as a Variant of Uncertain Significance. This sequence change replaces leucine, which is neutral and non-polar, with proline, which is neutral and non-polar, at codon 1379 of the ABCA4 protein (p.Leu1379Pro).

NM_000350.3(ABCA4):c.4136T>C (p.Leu1379Pro)

Gene: ABCA4 (ATP binding cassette subfamily A member 4; minus strand). Cytogenetic location: 1p22.1.
Variant type: single nucleotide variant.
Coding change: c.4136T>C on transcript NM_000350.3 (MANE Select); coding-DNA position 4136, T replaced by C.
Protein change: p.Leu1379Pro; replaces leucine 1379 with proline.
Molecular consequence: missense variant.
Genome position (GRCh38, 1-based): chr1:94,031,113, A>G on the plus strand (T>C on the coding strand, the complement: ABCA4 is on the minus strand). VCF-style: chr1-94031113-A-G. GRCh37 (hg19) VCF-style: chr1-94496669-A-G.
Other names: c.3914T>C, p.Leu1305Pro (NM_001425324.1); short protein forms L1379P, L1305P.
Identifiers: ClinVar variation 857770 (VCV000857770.9), dbSNP rs1660190269, ClinGen allele CA341286491.